The following is an entry in ClinVar:

ClinVar aggregate classification (germline): Uncertain significance (1 of 4 stars; one submission).

Submission:

Labcorp Genetics (formerly Invitae), Labcorp
Classification: Uncertain significance. Last evaluated: 2023-02-09. Review status: criteria provided, single submitter. Criteria: Invitae Variant Classification Sherloc (09022015). Collection method: clinical testing. Allele origin: germline.
Comment: In summary, the available evidence is currently insufficient to determine the role of this variant in disease. Therefore, it has been classified as a Variant of Uncertain Significance. Advanced modeling of protein sequence and biophysical properties (such as structural, functional, and spatial information, amino acid conservation, physicochemical variation, residue mobility, and thermodynamic stability) performed at Invitae indicates that this missense variant is expected to disrupt POLA1 protein function. This variant has not been reported in the literature in individuals affected with POLA1-related conditions. This variant is not present in population databases (gnomAD no frequency). This sequence change replaces valine, which is neutral and non-polar, with methionine, which is neutral and non-polar, at codon 374 of the POLA1 protein (p.Val374Met).

NM_001330360.2(POLA1):c.1138G>A (p.Val380Met)

Gene: POLA1 (DNA polymerase alpha 1, catalytic subunit; plus strand). Cytogenetic location: Xp22.11.
Variant type: single nucleotide variant.
Coding change: c.1138G>A on transcript NM_001330360.2 (MANE Select); coding-DNA position 1138, G replaced by A.
Protein change: p.Val380Met; replaces valine 380 with methionine.
Molecular consequence: missense variant. On other transcripts: non-coding transcript variant (2).
Genome position (GRCh38, 1-based): chrX:24,723,205, G>A. VCF-style: chrX-24723205-G-A. GRCh37 (hg19) VCF-style: chrX-24741322-G-A.
Other names: c.1138G>A, p.Val380Met (NM_001378303.1); c.1120G>A, p.Val374Met (NM_016937.4); short protein forms V374M, V380M.
Identifiers: ClinVar variation 2835759 (VCV002835759.3), dbSNP rs1930311387, ClinGen allele CA412531987.